The following is an entry in ClinVar:

NM_000133.4(F9):c.88+1G>A

Gene: F9 (coagulation factor IX; plus strand). Cytogenetic location: Xq27.1.
Variant type: single nucleotide variant.
Coding change: c.88+1G>A on transcript NM_000133.4 (MANE Select); the canonical splice donor site of the intron after coding-DNA position 88, G replaced by A.
Molecular consequence: splice donor variant.
Genome position (GRCh38, 1-based): chrX:139,530,853, G>A. VCF-style: chrX-139530853-G-A. GRCh37 (hg19) VCF-style: chrX-138613012-G-A.
Other names: c.88+1G>A (NM_001313913.2).
Identifiers: ClinVar variation 627155 (VCV000627155.3), dbSNP rs1603263397, ClinGen allele CA414434506.

ClinVar aggregate classification (germline): Pathogenic. Review status: reviewed by expert panel (3 of 4 stars). 2 submissions from 2 submitters: Pathogenic (1). 1 of the submissions does not count toward it. Last evaluated 2026-02-06.

Conditions:
Hereditary factor VIII deficiency disease (HEMA). Also called: HEMOPHILIA, CLASSIC; Hemophilia A, congenital; HEM A; Factor 8 deficiency, congenital; AUTOSOMAL HEMOPHILIA A; Hemophilia A. Identifiers: Orphanet 98878, MedGen C0019069, MONDO:0010602, OMIM 306700.
Hereditary factor IX deficiency disease (HEMB). Also called: F9 DEFICIENCY; FACTOR IX DEFICIENCY; PLASMA THROMBOPLASTIN COMPONENT DEFICIENCY; Hemophilia B; Christmas Disease. Identifiers: Orphanet 98879, MedGen C0008533, MeSH D002836, MONDO:0010604, OMIM 306900.

Submissions (2):

ClinGen Coagulation Factor Deficiency Variant Curation Expert Panel, Clingen
Classification: Pathogenic for Hereditary factor IX deficiency disease. Last evaluated: 2026-02-06. Review status: reviewed by expert panel. Criteria: ClinGen CoagFactor ACMG Specifications F9 V1.0.0. Collection method: curation. Allele origin: germline. Inheritance: X-linked inheritance.
Comment: The NM_000133.4(F9):c.88+1G>A variant is a canonical splice variant that is predicted to use a cryptic splice donor and introduce a premature stop codon and is expected to result in nonsense-mediated mRNA decay meeting PVS1. This splice site variant is completely absent from gnomAD v2.1.1. and v3.1.2 meeting PM2_Supporting. At least one proband with severe hemophilia B has been reported (PS4_Supporting; PMID: 31064749). In summary, this variant meets criteria to be classified as likely pathogenic. ACMG/AMP criteria applied, as specified by the Coagulation Factor Deficiency Variant Curation Expert Panel for F9: PVS1, PS4_Supporting, PM2_Supporting.

NIHR Bioresource Rare Diseases, University of Cambridge
Classification: Likely pathogenic for Hereditary factor VIII deficiency disease. Last evaluated: 2019-02-01. Review status: criteria provided, single submitter. Criteria: ACMG Guidelines, 2015. Collection method: research. Allele origin: unknown. Affected: yes. Observed: 1 hemizygote. Study: ThromboGenomics. Not counted in ClinVar's aggregate classification.

Literature cited by the submitters: PubMed 31064749 (cited by NIHR Bioresource Rare Diseases, University of Cambridge).